The following is an entry in ClinVar:

NM_002500.5(NEUROD1):c.259A>C (p.Lys87Gln)

Gene: NEUROD1 (neuronal differentiation 1; minus strand). Cytogenetic location: 2q31.3.
Variant type: single nucleotide variant.
Coding change: c.259A>C on transcript NM_002500.5 (MANE Select); coding-DNA position 259, A replaced by C.
Protein change: p.Lys87Gln; replaces lysine 87 with glutamine.
Molecular consequence: missense variant.
Genome position (GRCh38, 1-based): chr2:181,678,602, T>G on the plus strand (A>C on the coding strand, the complement: NEUROD1 is on the minus strand). VCF-style: chr2-181678602-T-G. GRCh37 (hg19) VCF-style: chr2-182543329-T-G.
Other names: short protein forms K87Q.
Identifiers: ClinVar variation 1997045 (VCV001997045.4), dbSNP rs751524182, ClinGen allele CA2011157.
Genomic context (GRCh38, chr2:181,678,602, plus strand): 5'-TAGCCTTCATGCGTCTCAATTTAAAACGCTCCAGGCGAGCCTTAGTCATCTTCTTCTTTT[T>G]GGGGCCGCGTCTCTTGGGCTTTTGATCGTCATCCTCCTCTTCCTCTTCTTCCTCCTCTTC-3'
Protein context (NP_002491.3, residues 77-97): DDQKPKRRGP[Lys87Gln]KKKMTKARLE

ClinVar aggregate classification (germline): Uncertain significance (1 of 4 stars; one submission).

Allele frequency attached by ClinVar (database versions not stated): TOPMed below 0.00001; ExAC 0.00001.
gnomAD v4.1: 10 of 1,614,172 alleles (0.00062%); highest among the groups gnomAD compares: Admixed American, 0.0017%; no homozygotes.

Submission:

Labcorp Genetics (formerly Invitae), Labcorp
Classification: Uncertain significance. Last evaluated: 2022-07-06. Review status: criteria provided, single submitter. Criteria: Invitae Variant Classification Sherloc (09022015). Collection method: clinical testing. Allele origin: germline.
Comment: This sequence change replaces lysine, which is basic and polar, with glutamine, which is neutral and polar, at codon 87 of the NEUROD1 protein (p.Lys87Gln). The frequency data for this variant in the population databases is considered unreliable, as metrics indicate poor data quality at this position in the gnomAD database. This variant has not been reported in the literature in individuals affected with NEUROD1-related conditions. Algorithms developed to predict the effect of missense changes on protein structure and function (SIFT, PolyPhen-2, Align-GVGD) all suggest that this variant is likely to be disruptive. In summary, the available evidence is currently insufficient to determine the role of this variant in disease. Therefore, it has been classified as a Variant of Uncertain Significance.